The following is an entry in ClinVar:

NM_001365536.1(SCN9A):c.1237A>G (p.Ile413Val)

Genes: SCN1A-AS1 (SCN1A and SCN9A antisense RNA 1; plus strand), SCN9A (sodium voltage-gated channel alpha subunit 9; minus strand). Cytogenetic location: 2q24.3.
Variant type: single nucleotide variant.
Coding change: c.1237A>G on transcript NM_001365536.1 (MANE Select); coding-DNA position 1237, A replaced by G.
Protein change: p.Ile413Val; replaces isoleucine 413 with valine.
Molecular consequence: missense variant.
Genome position (GRCh38, 1-based): chr2:166,288,514, T>C on the plus strand (A>G on the coding strand, the complement: SCN9A is on the minus strand). VCF-style: chr2-166288514-T-C. GRCh37 (hg19) VCF-style: chr2-167145024-T-C.
Other names: c.1237A>G, p.Ile413Val (NM_002977.4); short protein forms I413V.
Identifiers: ClinVar variation 2014902 (VCV002014902.4), dbSNP rs745533139, ClinGen allele CA349085815.

ClinVar aggregate classification (germline): Uncertain significance (1 of 4 stars; one submission).

Conditions:
Generalized epilepsy with febrile seizures plus, type 7 (GEFSP7). Also called: GEFS+, TYPE 7. Identifiers: Orphanet 36387, MedGen C2751778, MONDO:0013470, OMIM 613863.
Neuropathy, hereditary sensory and autonomic, type 2A (HSAN2A). Also called: ACROOSTEOLYSIS, GIACCAI TYPE; ACROOSTEOLYSIS, NEUROGENIC; WNK1-Related HSAN2 (HSAN2A); MORVAN DISEASE; NEUROPATHY, CONGENITAL SENSORY; HSAN IIA. Identifiers: Orphanet 970, MedGen C2752089, MONDO:0024309, OMIM 201300.

Submission:

Labcorp Genetics (formerly Invitae), Labcorp
Classification: Uncertain significance for Neuropathy, hereditary sensory and autonomic, type 2A; Generalized epilepsy with febrile seizures plus, type 7. Last evaluated: 2022-07-07. Review status: criteria provided, single submitter. Criteria: Invitae Variant Classification Sherloc (09022015). Collection method: clinical testing. Allele origin: germline.
Comment: Algorithms developed to predict the effect of missense changes on protein structure and function (SIFT, PolyPhen-2, Align-GVGD) all suggest that this variant is likely to be tolerated. This variant has not been reported in the literature in individuals affected with SCN9A-related conditions. This variant is not present in population databases (gnomAD no frequency). This sequence change replaces isoleucine, which is neutral and non-polar, with valine, which is neutral and non-polar, at codon 413 of the SCN9A protein (p.Ile413Val). In summary, the available evidence is currently insufficient to determine the role of this variant in disease. Therefore, it has been classified as a Variant of Uncertain Significance.